The following is an entry in ClinVar:

NM_000260.4(MYO7A):c.593-2A>G

Gene: MYO7A (myosin VIIA; plus strand). Cytogenetic location: 11q13.5.
Variant type: single nucleotide variant.
Coding change: c.593-2A>G on transcript NM_000260.4 (MANE Select); the canonical splice acceptor site of the intron before coding-DNA position 593, A replaced by G.
Molecular consequence: splice acceptor variant.
Genome position (GRCh38, 1-based): chr11:77,156,860, A>G. VCF-style: chr11-77156860-A-G. GRCh37 (hg19) VCF-style: chr11-76867906-A-G.
Other names: c.560-2A>G (NM_001369365.1); c.593-2A>G (NM_001127180.2).
Identifiers: ClinVar variation 1514793 (VCV001514793.8), dbSNP rs782186293, ClinGen allele CA381932006.

ClinVar aggregate classification (germline): Likely pathogenic (1 of 4 stars; one submission).

Submission:

Labcorp Genetics (formerly Invitae), Labcorp
Classification: Likely pathogenic. Last evaluated: 2021-04-01. Review status: criteria provided, single submitter. Criteria: Invitae Variant Classification Sherloc (09022015). Collection method: clinical testing. Allele origin: germline.
Comment: This sequence change affects an acceptor splice site in intron 6 of the MYO7A gene. It is expected to disrupt RNA splicing. Variants that disrupt the donor or acceptor splice site typically lead to a loss of protein function (PMID: 16199547), and loss-of-function variants in MYO7A are known to be pathogenic (PMID: 8900236, 25404053). This variant is not present in population databases (ExAC no frequency). This variant has not been reported in the literature in individuals with MYO7A-related conditions. Algorithms developed to predict the effect of sequence changes on RNA splicing suggest that this variant may disrupt the consensus splice site, but this prediction has not been confirmed by published transcriptional studies. In summary, the currently available evidence indicates that the variant is pathogenic, but additional data are needed to prove that conclusively. Therefore, this variant has been classified as Likely Pathogenic.

Literature cited by the submitters: PubMed 16199547; PubMed 8900236; PubMed 25404053.